The following is an entry in ClinVar:

ClinVar aggregate classification (germline): Uncertain significance (1 of 4 stars; one submission).

Conditions:
Gamma-aminobutyric acid transaminase deficiency (GABATD). Also called: GABA aminotransaminase deficiency; GABA transaminase deficiency; Gamma aminobutyrate transaminase deficiency; 4 alpha aminobutyrate transaminase deficiency. Identifiers: Orphanet 2066, MedGen C0342708, MONDO:0013166, OMIM 613163.

Submission:

Labcorp Genetics (formerly Invitae), Labcorp
Classification: Uncertain significance for Gamma-aminobutyric acid transaminase deficiency. Last evaluated: 2022-05-04. Review status: criteria provided, single submitter. Criteria: Invitae Variant Classification Sherloc (09022015). Collection method: clinical testing. Allele origin: germline.
Comment: This sequence change replaces glycine, which is neutral and non-polar, with arginine, which is basic and polar, at codon 24 of the ABAT protein (p.Gly24Arg). This variant also falls at the last nucleotide of exon 2, which is part of the consensus splice site for this exon. In summary, the available evidence is currently insufficient to determine the role of this variant in disease. Therefore, it has been classified as a Variant of Uncertain Significance. Variants that disrupt the consensus splice site are a relatively common cause of aberrant splicing (PMID: 17576681, 9536098). Algorithms developed to predict the effect of sequence changes on RNA splicing suggest that this variant may disrupt the consensus splice site. Algorithms developed to predict the effect of missense changes on protein structure and function (SIFT, PolyPhen-2, Align-GVGD) all suggest that this variant is likely to be tolerated. This variant has not been reported in the literature in individuals affected with ABAT-related conditions. This variant is not present in population databases (gnomAD no frequency).

Literature cited by the submitters: PubMed 17576681; PubMed 9536098.

NM_020686.6(ABAT):c.70G>A (p.Gly24Arg)

Gene: ABAT (4-aminobutyrate aminotransferase; plus strand). Cytogenetic location: 16p13.2.
Variant type: single nucleotide variant.
Coding change: c.70G>A on transcript NM_020686.6 (MANE Select); coding-DNA position 70, G replaced by A.
Protein change: p.Gly24Arg; replaces glycine 24 with arginine.
Molecular consequence: missense variant. On other transcripts: intron variant (3).
Genome position (GRCh38, 1-based): chr16:8,735,809, G>A. VCF-style: chr16-8735809-G-A. GRCh37 (hg19) VCF-style: chr16-8829666-G-A.
Other names: c.70G>A, p.Gly24Arg (NM_000663.5, NM_001127448.2, NM_001386600.1 and 12 more transcripts); c.70G>A, p.Gly24Ser (NM_001386614.1); c.-65-10192G>A (NM_001386611.1, NM_001386612.1, NM_001386613.1); short protein forms G24R, G24S.
Identifiers: ClinVar variation 2132192 (VCV002132192.4), dbSNP rs2548960166, ClinGen allele CA394691269.